The following is an entry in ClinVar:

NM_006767.4(LZTR1):c.647A>G (p.Glu216Gly)

Gene: LZTR1 (leucine zipper like post translational regulator 1; plus strand). Cytogenetic location: 22q11.21.
Variant type: single nucleotide variant.
Coding change: c.647A>G on transcript NM_006767.4 (MANE Select); coding-DNA position 647, A replaced by G.
Protein change: p.Glu216Gly; replaces glutamic acid 216 with glycine.
Molecular consequence: missense variant.
Genome position (GRCh38, 1-based): chr22:20,989,678, A>G. VCF-style: chr22-20989678-A-G. GRCh37 (hg19) VCF-style: chr22-21343967-A-G.
Other names: short protein forms E216G.
Identifiers: ClinVar variation 3616472 (VCV003616472.2).
Genomic context (GRCh38, chr22:20,989,678, plus strand): 5'-AATACAGGTTGAATGACATGTGGACAATTGGCCTCCAGGACCGAGAGCTCACCTGCTGGG[A>G]GGAGGTGAGGGGCGTGGGGAGCCAGGGCGCAGGTAGAGGAGGTGAGGGGCACGGGGAGCC-3'
Protein context (NP_006758.2, residues 206-226): GLQDRELTCW[Glu216Gly]EVAQSGEIPP

ClinVar aggregate classification (germline): Uncertain significance (1 of 4 stars; one submission).

Submission:

Labcorp Genetics (formerly Invitae), Labcorp
Classification: Uncertain significance. Last evaluated: 2024-07-23. Review status: criteria provided, single submitter. Criteria: Invitae Variant Classification Sherloc (09022015). Collection method: clinical testing. Allele origin: germline.
Comment: This sequence change replaces glutamic acid, which is acidic and polar, with glycine, which is neutral and non-polar, at codon 216 of the LZTR1 protein (p.Glu216Gly). This variant is not present in population databases (gnomAD no frequency). This variant has not been reported in the literature in individuals affected with LZTR1-related conditions. Advanced modeling of protein sequence and biophysical properties (such as structural, functional, and spatial information, amino acid conservation, physicochemical variation, residue mobility, and thermodynamic stability) performed at Invitae indicates that this missense variant is not expected to disrupt LZTR1 protein function with a negative predictive value of 80%. Algorithms developed to predict the effect of sequence changes on RNA splicing suggest that this variant may disrupt the consensus splice site. In summary, the available evidence is currently insufficient to determine the role of this variant in disease. Therefore, it has been classified as a Variant of Uncertain Significance.